The following is an entry in ClinVar:

NM_018238.4(AGK):c.519-2A>G

Gene: AGK (acylglycerol kinase; plus strand). Cytogenetic location: 7q34.
Variant type: single nucleotide variant.
Coding change: c.519-2A>G on transcript NM_018238.4 (MANE Select); the canonical splice acceptor site of the intron before coding-DNA position 519, A replaced by G.
Molecular consequence: splice acceptor variant.
Genome position (GRCh38, 1-based): chr7:141,621,730, A>G. VCF-style: chr7-141621730-A-G. GRCh37 (hg19) VCF-style: chr7-141321530-A-G.
Other names: c.519-2A>G (NM_001364948.3).
Identifiers: ClinVar variation 2021993 (VCV002021993.4), dbSNP rs2485410329, ClinGen allele CA369552600.

ClinVar aggregate classification (germline): Likely pathogenic (1 of 4 stars; one submission).

Conditions:
Cataract 38. Also called: Cataract, autosomal recessive congenital 5; Cataract 38, autosomal recessive. Identifiers: Orphanet 91492, MedGen C3553494, MONDO:0013859, OMIM 614691.
Sengers syndrome. Also called: MITOCHONDRIAL DNA DEPLETION SYNDROME 10 (CARDIOMYOPATHIC TYPE); Cardiomyopathy and cataract. Identifiers: Orphanet 1369, MedGen C1859317, MONDO:0008922, OMIM 212350.

gnomAD v4.1: 4 of 1,609,762 alleles (0.00025%); highest among the groups gnomAD compares: Non-Finnish European, 0.00034%; no homozygotes.

Submission:

Labcorp Genetics (formerly Invitae), Labcorp
Classification: Likely pathogenic for Sengers syndrome; Cataract 38. Last evaluated: 2022-08-05. Review status: criteria provided, single submitter. Criteria: Invitae Variant Classification Sherloc (09022015). Collection method: clinical testing. Allele origin: germline.
Comment: In summary, the currently available evidence indicates that the variant is pathogenic, but additional data are needed to prove that conclusively. Therefore, this variant has been classified as Likely Pathogenic. Algorithms developed to predict the effect of sequence changes on RNA splicing suggest that this variant may disrupt the consensus splice site. This variant has not been reported in the literature in individuals affected with AGK-related conditions. This variant is not present in population databases (gnomAD no frequency). This sequence change affects an acceptor splice site in intron 8 of the AGK gene. It is expected to disrupt RNA splicing. Variants that disrupt the donor or acceptor splice site typically lead to a loss of protein function (PMID: 16199547), and loss-of-function variants in AGK are known to be pathogenic (PMID: 22284826).

Literature cited by the submitters: PubMed 16199547; PubMed 22284826.